The following is an entry in ClinVar:

NM_001369.3(DNAH5):c.9805del (p.Ile3269fs)

Gene: DNAH5 (dynein axonemal heavy chain 5; minus strand). Cytogenetic location: 5p15.2.
Variant type: Deletion.
Coding change: c.9805del on transcript NM_001369.3 (MANE Select); coding-DNA position 9805, one base deleted (A; older notation c.9805delA).
Protein change: p.Ile3269fs; shifts the reading frame from isoleucine 3269.
Molecular consequence: frameshift variant.
Genome position (GRCh38, 1-based): chr5:13,769,052, T deleted on the plus strand (A on the coding strand, the reverse complement: DNAH5 is on the minus strand). VCF-style (leftmost placement, unchanged base first): chr5-13769051-AT-A. GRCh37 (hg19) VCF-style: chr5-13769160-AT-A.
Other names: c.9805delA (NM_001369.2); short protein forms I3269fs.
Identifiers: ClinVar variation 2085099 (VCV002085099.7), dbSNP rs2546656292, ClinGen allele CA2580072195.

ClinVar aggregate classification (germline): Pathogenic/Likely pathogenic. Review status: criteria provided, multiple submitters, no conflicts (2 of 4 stars). 3 submissions from 3 submitters: Pathogenic (1); Likely pathogenic (2). Last evaluated 2025-08-25.

Conditions:
Primary ciliary dyskinesia. Also called: Ciliary dyskinesia. Identifiers: Orphanet 244, MedGen C0008780, MONDO:0016575, HP:0012265.
Primary ciliary dyskinesia 3. Identifiers: Orphanet 244, MedGen C1837618, MONDO:0012085, OMIM 608644.

Allele frequency attached by ClinVar (database versions not stated): gnomAD exomes below 0.00001.

Submissions (3):

Natera, Inc.
Classification: Likely pathogenic for Primary ciliary dyskinesia. Last evaluated: 2025-08-25. Review status: criteria provided, single submitter. Criteria: Natera Variant Classification Schema (03/2026). Collection method: clinical testing. Allele origin: germline.
Comment: The c.9805delA variant in DNAH5 is a frameshift variant predicted to shift the reading frame beginning at codon 3269 and leads to a stop codon 23 codons downstream. This variant is expected to result in nonsense mediated decay, truncation, or a dysfunctional protein product. This variant is rare in the general population with a frequency below the threshold expected for the associated phenotype(s). Given the available evidence, this variant is classified as Likely Pathogenic.

Fulgent Genetics
Classification: Likely pathogenic for Primary ciliary dyskinesia 3. Last evaluated: 2024-05-08. Review status: criteria provided, single submitter. Criteria: ACMG Guidelines, 2015. Collection method: clinical testing. Allele origin: germline.

Labcorp Genetics (formerly Invitae), Labcorp
Classification: Pathogenic for Primary ciliary dyskinesia. Last evaluated: 2023-11-10. Review status: criteria provided, single submitter. Criteria: Invitae Variant Classification Sherloc (09022015). Collection method: clinical testing. Allele origin: germline.
Comment: This sequence change creates a premature translational stop signal (p.Ile3269Leufs*23) in the DNAH5 gene. It is expected to result in an absent or disrupted protein product. Loss-of-function variants in DNAH5 are known to be pathogenic (PMID: 11788826, 16627867). This variant is not present in population databases (gnomAD no frequency). This variant has not been reported in the literature in individuals affected with DNAH5-related conditions. ClinVar contains an entry for this variant (Variation ID: 2085099). Algorithms developed to predict the effect of sequence changes on RNA splicing suggest that this variant may disrupt the consensus splice site. For these reasons, this variant has been classified as Pathogenic.

Literature cited by the submitters: PubMed 11788826 (cited by Labcorp Genetics (formerly Invitae), Labcorp); PubMed 16627867 (cited by Labcorp Genetics (formerly Invitae), Labcorp).